The following is an entry in ClinVar:

NM_001289125.3(IFNAR2):c.855T>A (p.Phe285Leu)

Genes: IFNAR2 (interferon alpha and beta receptor subunit 2; plus strand), IFNAR2-IL10RB (IFNAR2-IL10RB readthrough; plus strand). Cytogenetic location: 21q22.11.
Variant type: single nucleotide variant.
Coding change: c.855T>A on transcript NM_001289125.3 (MANE Select); coding-DNA position 855, T replaced by A.
Protein change: p.Phe285Leu; replaces phenylalanine 285 with leucine.
Molecular consequence: missense variant. On other transcripts: 3 prime UTR variant (5).
Genome position (GRCh38, 1-based): chr21:33,262,807, T>A. VCF-style: chr21-33262807-T-A. GRCh37 (hg19) VCF-style: chr21-34635112-T-A.
Other names: c.*91T>A (NM_000874.5, NM_207584.3); c.*4T>A (NM_001289126.2, NM_001289128.2); c.*230T>A (NM_001385054.1); c.855T>A, p.Phe285Leu (NM_001385055.1, NM_207585.3); short protein forms F285L.
Identifiers: ClinVar variation 1935922 (VCV001935922.5), dbSNP rs2516762447, ClinGen allele CA410104466.

ClinVar aggregate classification (germline): Uncertain significance (1 of 4 stars; one submission).

gnomAD v4.1: 1 of 1,597,714 alleles (0.000063%); no homozygotes.

Submission:

Labcorp Genetics (formerly Invitae), Labcorp
Classification: Uncertain significance. Last evaluated: 2023-12-11. Review status: criteria provided, single submitter. Criteria: Invitae Variant Classification Sherloc (09022015). Collection method: clinical testing. Allele origin: germline.
Comment: This sequence change replaces phenylalanine, which is neutral and non-polar, with leucine, which is neutral and non-polar, at codon 285 of the IFNAR2 protein (p.Phe285Leu). This variant is not present in population databases (gnomAD no frequency). This variant has not been reported in the literature in individuals affected with IFNAR2-related conditions. ClinVar contains an entry for this variant (Variation ID: 1935922). Algorithms developed to predict the effect of missense changes on protein structure and function output the following: SIFT: "Not Available"; PolyPhen-2: "Possibly Damaging"; Align-GVGD: "Not Available". The leucine amino acid residue is found in multiple mammalian species, which suggests that this missense change does not adversely affect protein function. In summary, the available evidence is currently insufficient to determine the role of this variant in disease. Therefore, it has been classified as a Variant of Uncertain Significance.